The following is an entry in ClinVar:

ClinVar aggregate classification (germline): Likely benign. Review status: criteria provided, multiple submitters, no conflicts (2 of 4 stars). 2 submissions from 2 submitters: Likely benign (2). Last evaluated 2024-05-01.

Allele frequency attached by ClinVar (database versions not stated): TOPMed below 0.00001; gnomAD 0.00001; ExAC 0.00002; gnomAD exomes 0.00002.
gnomAD v4.1: 25 of 1,613,504 alleles (0.0015%); highest among the groups gnomAD compares: Middle Eastern, 0.018%; no homozygotes.

Submissions (2):

CeGaT Center for Human Genetics Tuebingen
Classification: Likely benign. Last evaluated: 2024-05-01. Review status: criteria provided, single submitter. Criteria: CeGaT Center For Human Genetics Tuebingen Variant Classification Criteria Version 2. Collection method: clinical testing. Allele origin: germline. Affected: yes. Observed: 2 variant alleles.
Comment: MCPH1: BP4, BP7

Labcorp Genetics (formerly Invitae), Labcorp
Classification: Likely benign. Last evaluated: 2023-06-20. Review status: criteria provided, single submitter. Criteria: Invitae Variant Classification Sherloc (09022015). Collection method: clinical testing. Allele origin: germline.

NM_024596.5(MCPH1):c.2181G>A (p.Pro727=)

Genes: ANGPT2 (angiopoietin 2; minus strand), MCPH1 (microcephalin 1; plus strand). Cytogenetic location: 8p23.1.
Variant type: single nucleotide variant.
Coding change: c.2181G>A on transcript NM_024596.5 (MANE Select); coding-DNA position 2181, G replaced by A.
Protein change: p.Pro727=; no amino-acid change (proline 727 retained).
Molecular consequence: synonymous variant. On other transcripts: 3 prime UTR variant (6), intron variant (1).
Genome position (GRCh38, 1-based): chr8:6,499,896, G>A. VCF-style: chr8-6499896-G-A. GRCh37 (hg19) VCF-style: chr8-6357417-G-A.
Other names: c.*3205C>T (NM_001118887.2, NM_001118888.2, NM_001147.3 and 1 more transcripts); c.*3353C>T (NM_001386336.1, NM_001386337.1); c.2181G>A, p.Pro727= (NM_001322042.2, NM_001363979.1, NM_001410916.1 and 1 more transcripts); c.1935+44644G>A (NM_001363980.2).
Identifiers: ClinVar variation 3003253 (VCV003003253.22), dbSNP rs774188140, ClinGen allele CA4610844.
Genomic context (GRCh38, chr8:6,499,896, plus strand): 5'-GTTGTGTCACTTGCAGGTGCTATGGTCTTTAGAATTGGGTCACTGGATTTCTGAGGAGCC[G>A]TTCGAACTGTCTCACCACTTCCCTGCAGCTCCCGTAAGTCAGATGTTGTTTTACGATGGT-3'
Protein context (NP_078872.3, residues 717-737): LELGHWISEE[Pro727=]FELSHHFPAA